The following is an entry in ClinVar:

ClinVar aggregate classification (germline): Likely pathogenic. Review status: criteria provided, multiple submitters, no conflicts (2 of 4 stars). 2 submissions from 2 submitters: Likely pathogenic (2). Last evaluated 2026-04-14.

Conditions:
Cardiovascular phenotype. Identifiers: MedGen CN230736.
Autosomal recessive limb-girdle muscular dystrophy type 2J (LGMDR10). Also called: MUSCULAR DYSTROPHY, LIMB-GIRDLE, AUTOSOMAL RECESSIVE 10; Limb-girdle muscular dystrophy, type 2J. Identifiers: Orphanet 140922, MedGen C1837342, MONDO:0012127, OMIM 608807.
Dilated cardiomyopathy 1G (CMD1G). Identifiers: Orphanet 154, MedGen C1858763, MONDO:0011400, OMIM 604145.

Submissions (2):

Ambry Genetics
Classification: Likely pathogenic for Cardiovascular phenotype. Last evaluated: 2026-04-14. Review status: criteria provided, single submitter. Criteria: Ambry Variant Classification Scheme 2023. Collection method: clinical testing. Allele origin: germline.
Comment: The c.54068_54071dupAGAT variant, located in coding exon 153 of the TTN gene, results from a duplication of AGAT at nucleotide position 54068, causing a translational frameshift with a predicted alternate stop codon (p.M18024Ifs*8). This exon is located in the A-band region of the N2-B isoform of the titin protein and is constitutively expressed in TTN transcripts (percent spliced in or PSI 100%). This variant is considered to be rare based on population cohorts in the Genome Aggregation Database (gnomAD). This variant is expected to result in loss of function by premature protein truncation or nonsense-mediated mRNA decay. While truncating variants in TTN are present in 1-3% of the general population, truncating variants in the A-band are the most common cause of dilated cardiomyopathy (Herman DS et al. N. Engl. J. Med., 2012 Feb;366:619-28; Roberts AM et al. Sci Transl Med, 2015 Jan;7:270ra6). TTN truncating variants encoded in constitutive exons (PSI >90%) have been found to be significantly associated with DCM regardless of their position in titin (Schafer S et al. Nat. Genet., 2017 01;49:46-53; Akhtar MM et al. Circ Heart Fail, 2020 Oct;13:e006832; Massier M et al. Clin Genet, 2025 Jan). Based on the majority of available evidence to date, this variant is likely to be pathogenic.

Labcorp Genetics (formerly Invitae), Labcorp
Classification: Likely pathogenic for Dilated cardiomyopathy 1G; Autosomal recessive limb-girdle muscular dystrophy type 2J. Last evaluated: 2026-01-19. Review status: criteria provided, single submitter. Criteria: Invitae Variant Classification Sherloc (09022015). Collection method: clinical testing. Allele origin: germline.
Comment: This sequence change creates a premature translational stop signal (p.Met27089Ilefs*8) in the TTN gene. While this is not anticipated to result in nonsense mediated decay, it is expected to create a truncated TTN protein. This variant is not present in population databases (gnomAD no frequency). This variant has not been reported in the literature in individuals affected with TTN-related conditions. This variant is located in the A band of TTN (PMID: 25589632). Truncating variants in this region are significantly overrepresented in patients affected with dilated cardiomyopathy (PMID: 25589632). Truncating variants in this region have also been reported in individuals affected with autosomal recessive centronuclear myopathy (PMID: 23975875). In summary, the currently available evidence indicates that the variant is pathogenic, but additional data are needed to prove that conclusively. Therefore, this variant has been classified as Likely Pathogenic.

Literature cited by the submitters: PubMed 25589632 (cited by Labcorp Genetics (formerly Invitae), Labcorp); PubMed 23975875 (cited by Labcorp Genetics (formerly Invitae), Labcorp).

NM_001267550.2(TTN):c.81263_81266dup (p.Met27089fs)

Genes: TTN (titin; minus strand), TTN-AS1 (TTN antisense RNA 1; plus strand). Cytogenetic location: 2q31.2.
Variant type: Duplication.
Coding change: c.81263_81266dup on transcript NM_001267550.2 (MANE Select); coding-DNA positions 81263 to 81266, 4 bases duplicated (AGAT; older notation c.81263_81266dupAGAT).
Protein change: p.Met27089fs; shifts the reading frame from methionine 27089.
Molecular consequence: frameshift variant.
Genome position (GRCh38, 1-based): chr2:178,564,866-178,564,869, ATCT duplicated on the plus strand (AGAT on the coding strand, the reverse complement: TTN is on the minus strand). VCF-style (leftmost placement, unchanged base first): chr2-178564865-C-CATCT. GRCh37 (hg19) VCF-style: chr2-179429592-C-CATCT.
Other names: c.54068_54071dupAGAT (NM_003319.4); c.76340_76343dup, p.Met25448fs (NM_001256850.1); c.54068_54071dup, p.Met18024fs (NM_003319.4); c.73559_73562dup, p.Met24521fs (NM_133378.4); c.54443_54446dup, p.Met18149fs (NM_133432.3); c.54644_54647dup, p.Met18216fs (NM_133437.4); short protein forms M25448fs, M27089fs, M18216fs, M18024fs, M18149fs, M24521fs.
Identifiers: ClinVar variation 4784575 (VCV004784575.2).